The following is an entry in ClinVar:

ClinVar aggregate classification (germline): Uncertain significance (1 of 4 stars; one submission).

Allele frequency attached by ClinVar (database versions not stated): gnomAD exomes below 0.00001; TOPMed below 0.00001; gnomAD 0.00001.
gnomAD v4.1: 3 of 1,613,946 alleles (0.00019%); highest among the groups gnomAD compares: African/African-American, 0.0013%; no homozygotes.

Submission:

Ambry Genetics
Classification: Uncertain significance. Last evaluated: 2025-01-03. Review status: criteria provided, single submitter. Criteria: Ambry Variant Classification Scheme 2023. Collection method: clinical testing. Allele origin: germline.
Comment: The p.L1304F variant (also known as c.3910C>T), located in coding exon 14 of the CDK12 gene, results from a C to T substitution at nucleotide position 3910. The leucine at codon 1304 is replaced by phenylalanine, an amino acid with highly similar properties. This amino acid position is conserved. In addition, the in silico prediction for this alteration is inconclusive. Based on the available evidence, the clinical significance of this variant remains unclear.

NM_016507.4(CDK12):c.3910C>T (p.Leu1304Phe)

Gene: CDK12 (cyclin dependent kinase 12; plus strand). Cytogenetic location: 17q12.
Variant type: single nucleotide variant.
Coding change: c.3910C>T on transcript NM_016507.4 (MANE Select); coding-DNA position 3910, C replaced by T.
Protein change: p.Leu1304Phe; replaces leucine 1304 with phenylalanine.
Molecular consequence: missense variant.
Genome position (GRCh38, 1-based): chr17:39,530,753, C>T. VCF-style: chr17-39530753-C-T. GRCh37 (hg19) VCF-style: chr17-37687006-C-T.
Other names: c.3883C>T, p.Leu1295Phe (NM_015083.4); short protein forms L1304F, L1295F.
Identifiers: ClinVar variation 3141479 (VCV003141479.2), dbSNP rs978480359, ClinGen allele CA290403104.
Genomic context (GRCh38, chr17:39,530,753, plus strand): 5'-GGCGATCTTTCCAGCGCCCCCCAGGAGTTGAACCCAGCCGTGACAGCCGCCTTGCTGCAA[C>T]TTTTATCCCAGCCTGAAGCAGAGCCTCCTGGCCACCTGCCACATGAGCACCAGGCCTTGA-3'
Protein context (NP_057591.2, residues 1294-1314): NPAVTAALLQ[Leu1304Phe]LSQPEAEPPG